The following is an entry in ClinVar:

ClinVar aggregate classification (germline): Pathogenic (1 of 4 stars; one submission).

Submission:

Labcorp Genetics (formerly Invitae), Labcorp
Classification: Pathogenic. Last evaluated: 2021-09-08. Review status: criteria provided, single submitter. Criteria: Invitae Variant Classification Sherloc (09022015). Collection method: clinical testing. Allele origin: germline.
Comment: This sequence change creates a premature translational stop signal (p.His290Thrfs*16) in the MED17 gene. It is expected to result in an absent or disrupted protein product. Loss-of-function variants in MED17 are known to be pathogenic (PMID: 20950787, 26004231, 30345598). This variant is not present in population databases (ExAC no frequency). This variant has not been reported in the literature in individuals affected with MED17-related conditions. For these reasons, this variant has been classified as Pathogenic.

Literature cited by the submitters: PubMed 20950787; PubMed 26004231; PubMed 30345598.

NM_004268.5(MED17):c.866dup (p.His290fs)

Gene: MED17 (mediator complex subunit 17; plus strand). Cytogenetic location: 11q21.
Variant type: Duplication.
Coding change: c.866dup on transcript NM_004268.5 (MANE Select); coding-DNA position 866, one base duplicated (C; older notation c.866dupC).
Protein change: p.His290fs; shifts the reading frame from histidine 290.
Molecular consequence: frameshift variant.
Genome position (GRCh38, 1-based): chr11:93,794,914, C duplicated; the last of 4 consecutive C bases (chr11:93,794,911-93,794,914); duplicating any one gives the same sequence. VCF-style (leftmost placement, unchanged base first): chr11-93794910-T-TC. GRCh37 (hg19) VCF-style: chr11-93528076-T-TC.
Other names: short protein forms H290fs.
Identifiers: ClinVar variation 1361805 (VCV001361805.6), dbSNP rs2135713786, ClinGen allele CA2573147761.